The following is an entry in ClinVar:

ClinVar aggregate classification (germline): Conflicting classifications of pathogenicity. Review status: criteria provided, conflicting classifications (1 of 4 stars). 11 submissions from 11 submitters: Uncertain significance (9); Likely benign (2). Last evaluated 2026-02-02.

Conditions:
Breast and/or ovarian cancer. Identifiers: MedGen CN221562.
Hereditary cancer-predisposing syndrome. Also called: Tumor predisposition; Hereditary neoplastic syndrome; Neoplastic Syndromes, Hereditary; Hereditary Cancer Syndrome. Identifiers: Orphanet 140162, MedGen C0027672, MeSH D009386, MONDO:0015356.
Peutz-Jeghers syndrome (PJS). Also called: Peutz-Jeghers polyposis; Periorificial lentiginosis syndrome; POLYPOSIS, HAMARTOMATOUS INTESTINAL; POLYPS-AND-SPOTS SYNDROME. Identifiers: Orphanet 2869, MedGen C0031269, MeSH D010580, MONDO:0008280, OMIM 175200.

Allele frequency attached by ClinVar (database versions not stated): gnomAD below 0.00001 and 0.00001; gnomAD exomes 0.00001 and 0.00002; TOPMed 0.00002; ExAC 0.00006.

Submissions (11):

Labcorp Genetics (formerly Invitae), Labcorp
Classification: Likely benign for Peutz-Jeghers syndrome. Last evaluated: 2026-02-02. Review status: criteria provided, single submitter. Criteria: Invitae Variant Classification Sherloc (09022015). Collection method: clinical testing. Allele origin: germline.

Center for Genomic Medicine, Rigshospitalet, Copenhagen University Hospital
Classification: Uncertain significance. Last evaluated: 2025-12-29. Review status: criteria provided, single submitter. Criteria: ACMG Guidelines, 2015. Collection method: clinical testing. Allele origin: germline.
Comment: Classification criteria: BP4

Quest Diagnostics Nichols Institute San Juan Capistrano
Classification: Uncertain significance. Last evaluated: 2025-06-12. Review status: criteria provided, single submitter. Criteria: Quest Diagnostics criteria. Collection method: clinical testing. Allele origin: unknown.
Comment: The STK11 c.440G>A (p.Arg147His) variant has been reported in the published literature in individuals with a personal or family history of breast and/or ovarian cancer (PMID: 34284872 (2022)), colorectal cancer (PMID: 34326862 (2021)), pancreatic cancer (PMID: 35171259 (2022)), various cancer types (PMID: 37937776 (2023)), and reportedly healthy individuals (PMID: 30476936 (2019)). The frequency of this variant in the general population (Genome Aggregation Database) is higher than would generally be expected for pathogenic variants in this gene. Analysis of this variant using bioinformatics tools for the prediction of the effect of amino acid changes on protein structure and function yielded predictions that this variant is benign. Based on the available information, we are unable to determine the clinical significance of this variant.

Women's Health and Genetics/Laboratory Corporation of America, LabCorp
Classification: Uncertain significance. Last evaluated: 2025-01-30. Review status: criteria provided, single submitter. Criteria: LabCorp Variant Classification Summary - May 2015. Collection method: clinical testing. Allele origin: germline.
Comment: Variant summary: STK11 c.440G>A (p.Arg147His) results in a non-conservative amino acid change in the encoded protein sequence. Three of five in-silico tools predict a benign effect of the variant on protein function. The variant allele was found at a frequency of 2.3e-05 in 218366 control chromosomes (gnomAD). The available data on variant occurrences in the general population are insufficient to allow any conclusion about variant significance. c.440G>A has been reported in the literature in individuals affected with breast and/or ovarian cancer, colorectal cancer, or pancreatic ductal adenocarcinoma without strong evidence of causality (e.g. Bhai_2021, Krivokuca_2022, Yin_2022). These reports do not provide unequivocal conclusions about association of the variant with Hereditary Breast And Ovarian Cancer Syndrome. To our knowledge, no experimental evidence demonstrating an impact on protein function has been reported. The following publications have been ascertained in the context of this evaluation (PMID: 35171259, 34326862, 34284872). ClinVar contains an entry for this variant (Variation ID: 135921). Based on the evidence outlined above, the variant was classified as uncertain significance.

All of Us Research Program, National Institutes of Health
Classification: Uncertain significance for Peutz-Jeghers syndrome. Last evaluated: 2024-09-23. Review status: criteria provided, single submitter. Criteria: ACMG Guidelines, 2015. Collection method: clinical testing. Allele origin: germline. Inheritance: Autosomal dominant inheritance. Observed: 4 variant alleles, 4 heterozygotes.
Comment: This missense variant replaces arginine with histidine at codon 147 of the STK11 protein. Computational prediction suggests that this variant may not impact protein structure and function. To our knowledge, functional studies have not been performed for this variant. This variant has been reported in an individual affected with pancreatic cancer (PMID: 35171259), an individual affected with breast cancer (DOI: 10.2298/GENSR1702399A), and an individual affected with colorectal cancer (PMID: 34326862). This variant has been identified in 5/218366 chromosomes in the general population by the Genome Aggregation Database (gnomAD). The available evidence is insufficient to determine the role of this variant in disease conclusively. Therefore, this variant is classified as a Variant of Uncertain Significance.

This study involves interpretation of variants in research participants for the purpose of population health screening. Participant phenotype was not available at the time of variant classification. Additional details can be found in publication PMID: 35346344, PMCID: PMC8962531

Blueprint Genetics
Classification: Uncertain significance. Last evaluated: 2024-08-14. Review status: criteria provided, single submitter. Criteria: ACMG Guidelines, 2015. Collection method: clinical testing. Allele origin: germline.

Color Diagnostics, LLC DBA Color Health
Classification: Uncertain significance for Hereditary cancer-predisposing syndrome. Last evaluated: 2024-01-29. Review status: criteria provided, single submitter. Criteria: ACMG Guidelines, 2015. Collection method: clinical testing. Allele origin: germline.
Comment: This missense variant replaces arginine with histidine at codon 147 of the STK11 protein. Computational prediction suggests that this variant may not impact protein structure and function. To our knowledge, functional studies have not been performed for this variant. This variant has been reported in an individual affected with pancreatic cancer (PMID: 35171259), an individual affected with breast cancer (DOI: 10.2298/GENSR1702399A), and an individual affected with colorectal cancer (PMID: 34326862). This variant has been identified in 5/218366 chromosomes in the general population by the Genome Aggregation Database (gnomAD). The available evidence is insufficient to determine the role of this variant in disease conclusively. Therefore, this variant is classified as a Variant of Uncertain Significance.

CHEO Genetics Diagnostic Laboratory, Children's Hospital of Eastern Ontario
Classification: Uncertain significance for Breast and/or ovarian cancer. Last evaluated: 2023-01-06. Review status: criteria provided, single submitter. Criteria: ACMG Guidelines, 2015. Collection method: clinical testing. Allele origin: germline.

Ambry Genetics
Classification: Likely benign for Hereditary cancer-predisposing syndrome. Last evaluated: 2022-02-24. Review status: criteria provided, single submitter. Criteria: Ambry Variant Classification Scheme 2023. Collection method: clinical testing. Allele origin: germline.

Genome-Nilou Lab
Classification: Uncertain significance for Peutz-Jeghers syndrome. Last evaluated: 2021-07-15. Review status: criteria provided, single submitter. Criteria: ACMG Guidelines, 2015. Collection method: clinical testing. Allele origin: germline. Affected: no.

GeneDx
Classification: Uncertain significance. Last evaluated: 2020-07-14. Review status: criteria provided, single submitter. Criteria: GeneDx Variant Classification Process June 2021. Collection method: clinical testing. Allele origin: germline. Affected: yes.
Comment: Not observed at a significant frequency in large population cohorts (Lek 2016); In silico analysis supports that this missense variant has a deleterious effect on protein structure/function; Observed in individuals with a personal history of sporadic breast cancer (Antov 2017)

Literature cited by the submitters: PubMed 37937776 (cited by Center for Genomic Medicine, Rigshospitalet, Copenhagen University Hospital and Quest Diagnostics Nichols Institute San Juan Capistrano); PubMed 35171259 (cited by 4 submitters); PubMed 30476936 (cited by Quest Diagnostics Nichols Institute San Juan Capistrano); PubMed 34326862 (cited by 4 submitters); PubMed 34284872 (cited by Quest Diagnostics Nichols Institute San Juan Capistrano and Women's Health and Genetics/Laboratory Corporation of America, LabCorp).

NM_000455.5(STK11):c.440G>A (p.Arg147His)

Gene: STK11 (serine/threonine kinase 11; plus strand). Cytogenetic location: 19p13.3.
Variant type: single nucleotide variant.
Coding change: c.440G>A on transcript NM_000455.5 (MANE Select); coding-DNA position 440, G replaced by A.
Protein change: p.Arg147His; replaces arginine 147 with histidine.
Molecular consequence: missense variant.
Genome position (GRCh38, 1-based): chr19:1,219,389, G>A. VCF-style: chr19-1219389-G-A. GRCh37 (hg19) VCF-style: chr19-1219388-G-A.
Other names: short protein forms R147H.
Identifiers: ClinVar variation 135921 (VCV000135921.33), dbSNP rs587780717, ClinGen allele CA022946.